The following is an entry in ClinVar:

ClinVar aggregate classification (germline): Conflicting classifications of pathogenicity. Review status: criteria provided, conflicting classifications (1 of 4 stars). 5 submissions from 5 submitters: Uncertain significance (1); Likely benign (3). 1 of the submissions does not count toward it. Last evaluated 2024-11-27.

Conditions:
POU4F3-related disorder. Also called: POU4F3-related condition.
Autosomal dominant nonsyndromic hearing loss 15 (DFNA15). Also called: Autosomal dominant nonsyndromic hearing loss 52; DEAFNESS, AUTOSOMAL DOMINANT 52. Identifiers: Orphanet 90635, MedGen C1865366, MONDO:0011226, OMIM 602459.

Allele frequency attached by ClinVar (database versions not stated): ExAC 0.00003; gnomAD exomes 0.00003 and 0.00011; gnomAD 0.00005; TOPMed 0.00009.
gnomAD v4.1: 49 of 1,614,036 alleles (0.003%); highest among the groups gnomAD compares: Admixed American, 0.08%; no homozygotes.

Submissions (5):

Labcorp Genetics (formerly Invitae), Labcorp
Classification: Likely benign. Last evaluated: 2024-11-27. Review status: criteria provided, single submitter. Criteria: Invitae Variant Classification Sherloc (09022015). Collection method: clinical testing. Allele origin: germline.

GeneDx
Classification: Likely benign. Last evaluated: 2020-07-08. Review status: criteria provided, single submitter. Criteria: GeneDx Variant Classification Process June 2021. Collection method: clinical testing. Allele origin: germline. Affected: yes.

Laboratory for Molecular Medicine, Mass General Brigham Personalized Medicine
Classification: Likely benign. Last evaluated: 2018-12-14. Review status: criteria provided, single submitter. Criteria: LMM Criteria. Collection method: clinical testing. Allele origin: germline. Observed: 1 variant allele.
Comment: The p.His99Tyr variant in POU4F3 is classified as likely benign because it has b een identified in 0.08% (27/34590) of Latino chromosomes by chromosomes by gnomA D. ACMG/AMP criteria applied: BS1.

Baylor Genetics
Classification: Uncertain significance for Autosomal dominant nonsyndromic hearing loss 15. Last evaluated: 2018-02-13. Review status: criteria provided, single submitter. Criteria: ACMG Guidelines, 2015. Collection method: clinical testing. Allele origin: maternal. Affected: yes.
Comment: This variant was determined to be of uncertain significance according to ACMG Guidelines, 2015 [PMID:25741868].

PreventionGenetics, part of Exact Sciences
Classification: Likely benign for POU4F3-related condition. Last evaluated: 2024-06-06. Review status: no assertion criteria provided. Collection method: clinical testing. Allele origin: germline. Not counted in ClinVar's aggregate classification.
Comment: This variant is classified as likely benign based on ACMG/AMP sequence variant interpretation guidelines (Richards et al. 2015 PMID: 25741868, with internal and published modifications).

NM_002700.3(POU4F3):c.295C>T (p.His99Tyr)

Genes: POU4F3 (POU class 4 homeobox 3; plus strand), RBM27-POU4F3 (RBM27-POU4F3 readthrough; plus strand). Cytogenetic location: 5q32.
Variant type: single nucleotide variant.
Coding change: c.295C>T on transcript NM_002700.3 (MANE Select); coding-DNA position 295, C replaced by T.
Protein change: p.His99Tyr; replaces histidine 99 with tyrosine.
Molecular consequence: missense variant.
Genome position (GRCh38, 1-based): chr5:146,339,722, C>T. VCF-style: chr5-146339722-C-T. GRCh37 (hg19) VCF-style: chr5-145719285-C-T.
Other names: short protein forms H99Y.
Identifiers: ClinVar variation 667155 (VCV000667155.16), dbSNP rs756195567, ClinGen allele CA3491098.
Genomic context (GRCh38, chr5:146,339,722, plus strand): 5'-ACCTACCATACCATGAGCAGCGTGCCCTGCACGTCCACTTCGTCCACCGTGCCCATCTCC[C>T]ACCCAGCTGCGCTCACCTCACACCCTCACCACGCCGTGCACCAGGGCCTCGAAGGCGACC-3'
Protein context (NP_002691.1, residues 89-109): TSTSSTVPIS[His99Tyr]PAALTSHPHH